The following is an entry in ClinVar:

ClinVar aggregate classification (germline): Conflicting classifications of pathogenicity. Review status: criteria provided, conflicting classifications (1 of 4 stars). 3 submissions from 3 submitters: Uncertain significance (2); Benign (1). Last evaluated 2025-09-09.

Conditions:
Hereditary cancer-predisposing syndrome. Also called: Hereditary neoplastic syndrome; Hereditary Cancer Syndrome; Tumor predisposition; Neoplastic Syndromes, Hereditary. Identifiers: Orphanet 140162, MedGen C0027672, MeSH D009386, MONDO:0015356.
Familial adenomatous polyposis 2. Also called: ADENOMAS, MULTIPLE COLORECTAL, AUTOSOMAL RECESSIVE; MUTYH Polyposis; MUTYH-related attenuated familial adenomatous polyposis; Adenomas, multiple colorectal; MUTYH-associated polyposis; COLORECTAL ADENOMATOUS POLYPOSIS, AUTOSOMAL RECESSIVE. Identifiers: Orphanet 220460, Orphanet 247798, MedGen C3272841, MONDO:0012041, OMIM 608456.

gnomAD v4.1: 1 of 1,614,154 alleles (0.000062%); highest among the groups gnomAD compares: South Asian, 0.0011%; no homozygotes.

Submissions (3):

Ambry Genetics
Classification: Benign for Hereditary cancer-predisposing syndrome. Last evaluated: 2025-09-09. Review status: criteria provided, single submitter. Criteria: Ambry Variant Classification Scheme 2023. Collection method: clinical testing. Allele origin: germline.

Labcorp Genetics (formerly Invitae), Labcorp
Classification: Uncertain significance for Familial adenomatous polyposis 2. Last evaluated: 2023-05-16. Review status: criteria provided, single submitter. Criteria: Invitae Variant Classification Sherloc (09022015). Collection method: clinical testing. Allele origin: germline.
Comment: In summary, the available evidence is currently insufficient to determine the role of this variant in disease. Therefore, it has been classified as a Variant of Uncertain Significance. An algorithm developed to predict the effect of missense changes on protein structure and function (PolyPhen-2) suggests that this variant is likely to be tolerated. ClinVar contains an entry for this variant (Variation ID: 1692570). This variant has not been reported in the literature in individuals affected with MUTYH-related conditions. This variant is not present in population databases (gnomAD no frequency). This sequence change replaces lysine, which is basic and polar, with asparagine, which is neutral and polar, at codon 47 of the MUTYH protein (p.Lys47Asn).

Sema4
Classification: Uncertain significance for Hereditary cancer-predisposing syndrome. Last evaluated: 2021-07-12. Review status: criteria provided, single submitter. Criteria: Sema4 Curation Guidelines. Collection method: curation. Allele origin: germline.
Comment: The MUTYH c.141G>T (p.K47N) variant has not been reported in the literature to our knowledge. It was not observed in the large and broad cohorts of the Genome Aggregation Database (PMID: 32461654). The variant has not been reported in ClinVar. In silico tools suggest the impact of the variant on protein function is benign, though these predictions have not been confirmed by functional studies. The evidence is insufficient to meet ACMG/AMP criteria for classifying the variant as benign or pathogenic. Thus, the clinical significance of this variant is currently uncertain.

NM_001048174.2(MUTYH):c.99G>T (p.Lys33Asn)

Gene: MUTYH (mutY DNA glycosylase; minus strand). Cytogenetic location: 1p34.1.
Variant type: single nucleotide variant.
Coding change: c.99G>T on transcript NM_001048174.2 (MANE Select); coding-DNA position 99, G replaced by T.
Protein change: p.Lys33Asn; replaces lysine 33 with asparagine.
Molecular consequence: missense variant. On other transcripts: 5 prime UTR variant (4), non-coding transcript variant (2).
Genome position (GRCh38, 1-based): chr1:45,334,407, C>A on the plus strand (G>T on the coding strand, the complement: MUTYH is on the minus strand). VCF-style: chr1-45334407-C-A. GRCh37 (hg19) VCF-style: chr1-45800079-C-A.
Other names: c.99G>T, p.Lys33Asn (NM_001048171.2, NM_001048172.2, NM_001048173.2 and 2 more transcripts); c.141G>T, p.Lys47Asn (NM_001128425.2, NM_001293190.2, NM_012222.3); c.-114G>T (NM_001293192.2, NM_001293196.2); c.-173G>T (NM_001350650.2); c.-109G>T (NM_001350651.2); short protein forms K33N, K47N.
Identifiers: ClinVar variation 1692570 (VCV001692570.7), dbSNP rs375084663, ClinGen allele CA340136975.